The following is an entry in ClinVar:

NM_004655.4(AXIN2):c.-4C>T

Gene: AXIN2 (axin 2; minus strand). Cytogenetic location: 17q24.1.
Variant type: single nucleotide variant.
Coding change: c.-4C>T on transcript NM_004655.4 (MANE Select); 4 bases upstream of the start codon, C replaced by T.
Molecular consequence: 5 prime UTR variant.
Genome position (GRCh38, 1-based): chr17:65,558,624, G>A on the plus strand (C>T on the coding strand, the complement: AXIN2 is on the minus strand). VCF-style: chr17-65558624-G-A. GRCh37 (hg19) VCF-style: chr17-63554742-G-A.
Other names: c.-4C>T (NM_001363813.1).
Identifiers: ClinVar variation 2578180 (VCV002578180.1), dbSNP rs2544256691, ClinGen allele CA2580617691.

ClinVar aggregate classification (germline): Uncertain significance (1 of 4 stars; one submission).

Allele frequency attached by ClinVar (database versions not stated): gnomAD exomes below 0.00001.

Submission:

GeneDx
Classification: Uncertain significance. Last evaluated: 2023-03-02. Review status: criteria provided, single submitter. Criteria: GeneDx Variant Classification Process June 2021. Collection method: clinical testing. Allele origin: germline. Affected: yes.
Comment: Not observed at significant frequency in large population cohorts (gnomAD); Nucleotide substitution has no predicted effect on splicing and is not conserved across species; Has not been previously published as pathogenic or benign to our knowledge